The following is an entry in ClinVar:

NM_000051.4(ATM):c.9032T>A (p.Met3011Lys)

Genes: ATM (ATM serine/threonine kinase; plus strand), C11orf65 (chromosome 11 open reading frame 65; minus strand). Cytogenetic location: 11q22.3.
Variant type: single nucleotide variant.
Coding change: c.9032T>A on transcript NM_000051.4 (MANE Select); coding-DNA position 9032, T replaced by A.
Protein change: p.Met3011Lys; replaces methionine 3011 with lysine.
Molecular consequence: missense variant. On other transcripts: intron variant (2).
Genome position (GRCh38, 1-based): chr11:108,365,369, T>A. VCF-style: chr11-108365369-T-A. GRCh37 (hg19) VCF-style: chr11-108236096-T-A.
Other names: c.9032T>A, p.Met3011Lys (NM_001351834.2); c.640+20551A>T (NM_001330368.2); c.694+20551A>T (NM_001351110.2); short protein forms M3011K.
Identifiers: ClinVar variation 822920 (VCV000822920.11), dbSNP rs1555151804, ClinGen allele CA382531204.
Genomic context (GRCh38, chr11:108,365,369, plus strand): 5'-GTGTTTTTGTCCTTAGTGATATTGACCAGAGTTTCAACAAAGTAGCTGAACGTGTCTTAA[T>A]GAGACTACAAGAGAAACTGAAAGGAGTGGAAGAAGGCACTGTGCTCAGTGTTGGTGGACA-3'
Protein context (NP_000042.3, residues 3001-3021): SFNKVAERVL[Met3011Lys]RLQEKLKGVE

ClinVar aggregate classification (germline): Uncertain significance. Review status: criteria provided, multiple submitters, no conflicts (2 of 4 stars). 2 submissions from 2 submitters: Uncertain significance (2). Last evaluated 2022-08-24.

Conditions:
Hereditary cancer-predisposing syndrome. Also called: Tumor predisposition; Neoplastic Syndromes, Hereditary; Hereditary Cancer Syndrome; Hereditary neoplastic syndrome. Identifiers: Orphanet 140162, MedGen C0027672, MeSH D009386, MONDO:0015356.
Ataxia-telangiectasia syndrome (AT). Also called: ATAXIA-TELANGIECTASIA, COMPLEMENTATION GROUP A; ATAXIA-TELANGIECTASIA, FRESNO VARIANT; Ataxia-telangiectasia; Ataxia-telangiectasia, complementation group D; AT, COMPLEMENTATION GROUP C; Ataxia-telangiectasia, complementation group E. Identifiers: Orphanet 100, MedGen C0004135, MONDO:0008840, OMIM 208900.

Submissions (2):

Labcorp Genetics (formerly Invitae), Labcorp
Classification: Uncertain significance for Ataxia-telangiectasia syndrome. Last evaluated: 2022-08-24. Review status: criteria provided, single submitter. Criteria: Invitae Variant Classification Sherloc (09022015). Collection method: clinical testing. Allele origin: germline.
Comment: This variant has not been reported in the literature in individuals affected with ATM-related conditions. This variant is not present in population databases (gnomAD no frequency). This sequence change replaces methionine, which is neutral and non-polar, with lysine, which is basic and polar, at codon 3011 of the ATM protein (p.Met3011Lys). ClinVar contains an entry for this variant (Variation ID: 822920). In summary, the available evidence is currently insufficient to determine the role of this variant in disease. Therefore, it has been classified as a Variant of Uncertain Significance. Algorithms developed to predict the effect of sequence changes on RNA splicing suggest that this variant may create or strengthen a splice site. Algorithms developed to predict the effect of missense changes on protein structure and function are either unavailable or do not agree on the potential impact of this missense change (SIFT: "Deleterious"; PolyPhen-2: "Benign"; Align-GVGD: "Class C55").

Ambry Genetics
Classification: Uncertain significance for Hereditary cancer-predisposing syndrome. Last evaluated: 2019-09-29. Review status: criteria provided, single submitter. Criteria: Ambry Variant Classification Scheme 2023. Collection method: clinical testing. Allele origin: germline.
Comment: The p.M3011K variant (also known as c.9032T>A), located in coding exon 62 of the ATM gene, results from a T to A substitution at nucleotide position 9032. The methionine at codon 3011 is replaced by lysine, an amino acid with similar properties. This alteration has been reported 1/318 patients with chronic lymphocytic leukemia, although it was undetermined if this alteration was somatic or germline in this individual (Skowronska A et al. Haematologica, 2012 Jan;97:142-6). This amino acid position is not well conserved in available vertebrate species. In addition, this alteration is predicted to be tolerated by in silico analysis. Since supporting evidence is limited at this time, the clinical significance of this alteration remains unclear.

Literature cited by the submitters: PubMed 21933854 (cited by Ambry Genetics).